The following is an entry in ClinVar:

ClinVar aggregate classification (germline): Pathogenic. Review status: criteria provided, single submitter (1 of 4 stars). 2 submissions from 2 submitters: Pathogenic (1). 1 of the submissions does not count toward it. Last evaluated 2020-09-16.

Conditions:
Long chain 3-hydroxyacyl-CoA dehydrogenase deficiency. Also called: Deficiency of long-chain 3-hydroxyacyl-coenzyme A dehydrogenase; LCHAD Deficiency. Identifiers: Orphanet 5, MedGen C3711645, MONDO:0012173, OMIM 609016.
Mitochondrial trifunctional protein deficiency. Identifiers: Orphanet 746, MedGen C1969443, MONDO:0012172.
HADHA-related disorder. Also called: HADHA-related disorders; HADHA-related condition.

gnomAD v4.1: 1 of 1,612,212 alleles (0.000062%); highest among the groups gnomAD compares: Admixed American, 0.0017%; no homozygotes.

Submissions (2):

Labcorp Genetics (formerly Invitae), Labcorp
Classification: Pathogenic for Mitochondrial trifunctional protein deficiency; Long chain 3-hydroxyacyl-CoA dehydrogenase deficiency. Last evaluated: 2020-09-16. Review status: criteria provided, single submitter. Criteria: Invitae Variant Classification Sherloc (09022015). Collection method: clinical testing. Allele origin: germline.
Comment: This sequence change creates a premature translational stop signal (p.Glu510*) in the HADHA gene. It is expected to result in an absent or disrupted protein product. For these reasons, this variant has been classified as Pathogenic. Loss-of-function variants in HADHA are known to be pathogenic (PMID: 7738175, 21103935, 21549624, 22459206). This variant has not been reported in the literature in individuals with HADHA-related conditions. This variant is not present in population databases (ExAC no frequency).

PreventionGenetics, part of Exact Sciences
Classification: Likely pathogenic for HADHA-related condition. Last evaluated: 2024-03-08. Review status: no assertion criteria provided. Collection method: clinical testing. Allele origin: germline. Not counted in ClinVar's aggregate classification.
Comment: The HADHA c.1528G>T variant is predicted to result in premature protein termination (p.Glu510*). To our knowledge, this variant has not been previously reported in the literature in association with disease. This variant has not been reported in a large population database, indicating this variant is rare. Nonsense variants in HADHA are expected to be pathogenic. This variant is interpreted as likely pathogenic.

Literature cited by the submitters: PubMed 7738175 (cited by Labcorp Genetics (formerly Invitae), Labcorp); PubMed 21103935 (cited by Labcorp Genetics (formerly Invitae), Labcorp); PubMed 21549624 (cited by Labcorp Genetics (formerly Invitae), Labcorp); PubMed 22459206 (cited by Labcorp Genetics (formerly Invitae), Labcorp).

NM_000182.5(HADHA):c.1528G>T (p.Glu510Ter)

Genes: GAREM2 (GRB2 associated regulator of MAPK1 subtype 2; plus strand), HADHA (hydroxyacyl-CoA dehydrogenase trifunctional multienzyme complex subunit alpha; minus strand). Cytogenetic location: 2p23.3.
Variant type: single nucleotide variant.
Coding change: c.1528G>T on transcript NM_000182.5 (MANE Select); coding-DNA position 1528, G replaced by T.
Protein change: p.Glu510Ter; replaces glutamic acid 510 with a stop codon.
Molecular consequence: nonsense.
Genome position (GRCh38, 1-based): chr2:26,195,184, C>A on the plus strand (G>T on the coding strand, the complement: HADHA is on the minus strand). VCF-style: chr2-26195184-C-A. GRCh37 (hg19) VCF-style: chr2-26418053-C-A.
Other names: c.1528G>T (NM_000182.4); short protein forms E510*.
Identifiers: ClinVar variation 1075355 (VCV001075355.9), dbSNP rs137852769, ClinGen allele CA346121519.